The following is an entry in ClinVar:

NM_001267550.2(TTN):c.97629del (p.Asp32544fs)

Genes: TTN (titin; minus strand), TTN-AS1 (TTN antisense RNA 1; plus strand). Cytogenetic location: 2q31.2.
Variant type: Deletion.
Coding change: c.97629del on transcript NM_001267550.2 (MANE Select); coding-DNA position 97629, one base deleted (A; older notation c.97629delA).
Protein change: p.Asp32544fs; shifts the reading frame from aspartic acid 32544.
Molecular consequence: frameshift variant.
Genome position (GRCh38, 1-based): chr2:178,541,448, T deleted on the plus strand (A on the coding strand, the reverse complement: TTN is on the minus strand). VCF-style (leftmost placement, unchanged base first): chr2-178541447-CT-C. GRCh37 (hg19) VCF-style: chr2-179406174-CT-C.
Other names: c.92706del, p.Asp30903fs (NM_001256850.1); c.70434del, p.Asp23479fs (NM_003319.4); c.89925del, p.Asp29976fs (NM_133378.4); c.70809del, p.Asp23604fs (NM_133432.3); c.71010del, p.Asp23671fs (NM_133437.4); short protein forms D23604fs, D29976fs, D30903fs, D23479fs, D23671fs, D32544fs.
Identifiers: ClinVar variation 2024834 (VCV002024834.4), dbSNP rs2468846976, ClinGen allele CA2580064565.
Genomic context (GRCh38, chr2:178,541,447, plus strand): 5'-GGCCAGTGGAGCGGTACCGTGTCATTGTCACAGGTACTTTATTTACACGGACCCATCGAT[CT>C]GCTCTCACTTCTTTGCGCTCCACAATATATCCAGTCACTTGGGAGCCACCGTCATCCTCT-3'

ClinVar aggregate classification (germline): Likely pathogenic (1 of 4 stars; one submission).

Conditions:
Autosomal recessive limb-girdle muscular dystrophy type 2J (LGMDR10). Also called: Limb-girdle muscular dystrophy, type 2J; MUSCULAR DYSTROPHY, LIMB-GIRDLE, AUTOSOMAL RECESSIVE 10. Identifiers: Orphanet 140922, MedGen C1837342, MONDO:0012127, OMIM 608807.
Dilated cardiomyopathy 1G (CMD1G). Identifiers: Orphanet 154, MedGen C1858763, MONDO:0011400, OMIM 604145.

Submission:

Labcorp Genetics (formerly Invitae), Labcorp
Classification: Likely pathogenic for Dilated cardiomyopathy 1G; Autosomal recessive limb-girdle muscular dystrophy type 2J. Last evaluated: 2021-12-02. Review status: criteria provided, single submitter. Criteria: Invitae Variant Classification Sherloc (09022015). Collection method: clinical testing. Allele origin: germline.
Comment: In summary, the currently available evidence indicates that the variant is pathogenic, but additional data are needed to prove that conclusively. Therefore, this variant has been classified as Likely Pathogenic. This variant is located in the A band of TTN (PMID: 25589632). Truncating variants in this region are significantly overrepresented in patients affected with dilated cardiomyopathy (PMID: 25589632). Truncating variants in this region have also been reported in individuals affected with autosomal recessive centronuclear myopathy (PMID: 23975875). This variant has not been reported in the literature in individuals affected with TTN-related conditions. This variant is not present in population databases (gnomAD no frequency). This sequence change creates a premature translational stop signal (p.Asp32544Ilefs*6) in the TTN gene. While this is not anticipated to result in nonsense mediated decay, it is expected to create a truncated TTN protein.

Literature cited by the submitters: PubMed 25589632; PubMed 23975875.